The following is an entry in ClinVar:

ClinVar aggregate classification (germline): Uncertain significance (1 of 4 stars; one submission).

Conditions:
Deficiency of butyrylcholinesterase (BCHED). Also called: Acholinesterasemia; Butyrylcholinesterase deficiency; BCHE, silent 1; Deficiency of butyrylcholine esterase. Identifiers: Orphanet 132, MedGen C1283400, MONDO:0015270, OMIM 617936.

Submission:

Juno Genomics, Hangzhou Juno Genomics, Inc
Classification: Uncertain significance for Deficiency of butyrylcholinesterase. Review status: criteria provided, single submitter. Criteria: ACMG Guidelines, 2015. Collection method: clinical testing. Allele origin: germline.
Comment: Absent from controls (or at extremely low frequency if recessive) in Genome Aggregation Database.;Multiple lines of computational evidence support a deleterious effect on the gene or gene product.

NM_000055.4(BCHE):c.364T>C (p.Tyr122His)

Gene: BCHE (butyrylcholinesterase; minus strand). Cytogenetic location: 3q26.1.
Variant type: single nucleotide variant.
Coding change: c.364T>C on transcript NM_000055.4 (MANE Select); coding-DNA position 364, T replaced by C.
Protein change: p.Tyr122His; replaces tyrosine 122 with histidine.
Molecular consequence: missense variant. On other transcripts: non-coding transcript variant (1).
Genome position (GRCh38, 1-based): chr3:165,830,670, A>G on the plus strand (T>C on the coding strand, the complement: BCHE is on the minus strand). VCF-style: chr3-165830670-A-G. GRCh37 (hg19) VCF-style: chr3-165548458-A-G.
Other names: short protein forms Y122H.
Identifiers: ClinVar variation 5019569 (VCV005019569.2).